The following is an entry in ClinVar:

NM_000260.4(MYO7A):c.1649del (p.Gly550fs)

Gene: MYO7A (myosin VIIA; plus strand). Cytogenetic location: 11q13.5.
Variant type: Deletion.
Coding change: c.1649del on transcript NM_000260.4 (MANE Select); coding-DNA position 1649, one base deleted (G; older notation c.1649delG).
Protein change: p.Gly550fs; shifts the reading frame from glycine 550.
Molecular consequence: frameshift variant.
Genome position (GRCh38, 1-based): chr11:77,162,947, G deleted; the last of 2 consecutive G bases (chr11:77,162,946-77,162,947); deleting either gives the same sequence. VCF-style (leftmost placement, unchanged base first): chr11-77162945-TG-T. GRCh37 (hg19) VCF-style: chr11-76873991-TG-T.
Other names: c.1649del, p.Gly550fs (NM_001127180.2); c.1616del, p.Gly539fs (NM_001369365.1); short protein forms G539fs, G550fs.
Identifiers: ClinVar variation 3601444 (VCV003601444.1).

ClinVar aggregate classification (germline): Likely pathogenic (1 of 4 stars; one submission).

Conditions:
Autosomal recessive nonsyndromic hearing loss 2. Also called: NEUROSENSORY NONSYNDROMIC RECESSIVE DEAFNESS 2; DEAFNESS, AUTOSOMAL RECESSIVE 2. Identifiers: Orphanet 90636, MedGen C1838701, MONDO:0010807, OMIM 600060.

Submission:

Institute of Rare Diseases, West China Hospital, Sichuan University
Classification: Likely pathogenic for Autosomal recessive nonsyndromic hearing loss 2. Last evaluated: 2025-01-09. Review status: criteria provided, single submitter. Criteria: ClinGen HL ACMG Specifications v1. Collection method: research. Allele origin: germline. Affected: yes.
Comment: PVS1;PM2_Supporting